The following is an entry in ClinVar:

NM_203486.3(DLL3):c.1174C>A (p.Leu392Met)

Gene: DLL3 (delta like canonical Notch ligand 3; plus strand). Cytogenetic location: 19q13.2.
Variant type: single nucleotide variant.
Coding change: c.1174C>A on transcript NM_203486.3 (MANE Select); coding-DNA position 1174, C replaced by A.
Protein change: p.Leu392Met; replaces leucine 392 with methionine.
Molecular consequence: missense variant.
Genome position (GRCh38, 1-based): chr19:39,507,119, C>A. VCF-style: chr19-39507119-C-A. GRCh37 (hg19) VCF-style: chr19-39997759-C-A.
Other names: c.1174C>A, p.Leu392Met (NM_016941.4); short protein forms L392M.
Identifiers: ClinVar variation 1899161 (VCV001899161.5), dbSNP rs749059188, ClinGen allele CA308256221.
Genomic context (GRCh38, chr19:39,507,119, plus strand): 5'-GGCCACGCCCTGCGCTGCCGCTGCCGCGCCGGCTTCGCGGGTCCTCGCTGCGAGCACGAC[C>A]TGGACGACTGCGCGGGCCGCGCCTGCGCTAACGGCGGCACGTGTGTGGAGGGCGGCGGCG-3'
Protein context (NP_982353.1, residues 382-402): GFAGPRCEHD[Leu392Met]DDCAGRACAN

ClinVar aggregate classification (germline): Uncertain significance (1 of 4 stars; one submission).

Allele frequency attached by ClinVar (database versions not stated): gnomAD 0.00001; TOPMed 0.00001.
gnomAD v4.1: 2 of 1,533,774 alleles (0.00013%); highest among the groups gnomAD compares: African/African-American, 0.0028%; no homozygotes.

Submission:

Labcorp Genetics (formerly Invitae), Labcorp
Classification: Uncertain significance. Last evaluated: 2024-02-12. Review status: criteria provided, single submitter. Criteria: Invitae Variant Classification Sherloc (09022015). Collection method: clinical testing. Allele origin: germline.
Comment: This sequence change replaces leucine, which is neutral and non-polar, with methionine, which is neutral and non-polar, at codon 392 of the DLL3 protein (p.Leu392Met). This variant is not present in population databases (gnomAD no frequency). This variant has not been reported in the literature in individuals affected with DLL3-related conditions. ClinVar contains an entry for this variant (Variation ID: 1899161). An algorithm developed to predict the effect of missense changes on protein structure and function (PolyPhen-2) suggests that this variant is likely to be tolerated. In summary, the available evidence is currently insufficient to determine the role of this variant in disease. Therefore, it has been classified as a Variant of Uncertain Significance.